The following is an entry in ClinVar:

NM_004260.4(RECQL4):c.2385C>G (p.Phe795Leu)

Gene: RECQL4 (RecQ like helicase 4; minus strand). Cytogenetic location: 8q24.3.
Variant type: single nucleotide variant.
Coding change: c.2385C>G on transcript NM_004260.4 (MANE Select); coding-DNA position 2385, C replaced by G.
Protein change: p.Phe795Leu; replaces phenylalanine 795 with leucine.
Molecular consequence: missense variant.
Genome position (GRCh38, 1-based): chr8:144,513,296, G>C on the plus strand (C>G on the coding strand, the complement: RECQL4 is on the minus strand). VCF-style: chr8-144513296-G-C. GRCh37 (hg19) VCF-style: chr8-145738679-G-C.
Other names: short protein forms F795L.
Identifiers: ClinVar variation 135137 (VCV000135137.5), dbSNP rs587778644, ClinGen allele CA161831.

ClinVar aggregate classification (germline): Uncertain significance. Review status: criteria provided, single submitter (1 of 4 stars). 2 submissions from 2 submitters: Uncertain significance (1). 1 of the submissions does not count toward it. Last evaluated 2023-08-10.

Conditions:
Baller-Gerold syndrome (BGS). Also called: CRANIOSYNOSTOSIS WITH RADIAL DEFECTS. Identifiers: Orphanet 1225, MedGen C0265308, MONDO:0009039, OMIM 218600.

gnomAD v4.1: 2 of 1,599,892 alleles (0.00013%); highest among the groups gnomAD compares: Admixed American, 0.0017%; no homozygotes.

Submissions (2):

Labcorp Genetics (formerly Invitae), Labcorp
Classification: Uncertain significance for Baller-Gerold syndrome. Last evaluated: 2023-08-10. Review status: criteria provided, single submitter. Criteria: Invitae Variant Classification Sherloc (09022015). Collection method: clinical testing. Allele origin: germline.
Comment: This variant is not present in population databases (gnomAD no frequency). In summary, the available evidence is currently insufficient to determine the role of this variant in disease. Therefore, it has been classified as a Variant of Uncertain Significance. Advanced modeling of protein sequence and biophysical properties (such as structural, functional, and spatial information, amino acid conservation, physicochemical variation, residue mobility, and thermodynamic stability) performed at Invitae indicates that this missense variant is not expected to disrupt RECQL4 protein function. ClinVar contains an entry for this variant (Variation ID: 135137). This variant has not been reported in the literature in individuals affected with RECQL4-related conditions. This sequence change replaces phenylalanine, which is neutral and non-polar, with leucine, which is neutral and non-polar, at codon 795 of the RECQL4 protein (p.Phe795Leu).

ITMI
No classification provided. Condition: AllHighlyPenetrant. Last evaluated: 2013-09-19. Review status: no classification provided. Collection method: reference population. Allele origin: germline. Not counted in ClinVar's aggregate classification.
Comment: Please see associated publication for description of ethnicities

Literature cited by the submitters: PubMed 24728327 (cited by ITMI).